The following is an entry in ClinVar:

ClinVar aggregate classification (germline): Conflicting classifications of pathogenicity. Review status: criteria provided, conflicting classifications (1 of 4 stars). 2 submissions from 2 submitters: Uncertain significance (1); Likely benign (1). Last evaluated 2025-05-16.

Conditions:
Deficiency of ferroxidase (ACEP). Also called: NEURODEGENERATION WITH BRAIN IRON ACCUMULATION 10; Aceruloplasminemia; Deficiency of ceruloplasmin; Ceruloplasmin deficiency; Familial apoceruloplasmin deficiency; Hereditary ceruloplasmin deficiency. Identifiers: Orphanet 48818, MedGen C0878682, MONDO:0011426, OMIM 604290, HP:0025498.

Allele frequency attached by ClinVar (database versions not stated): gnomAD 0.00002 and 0.00005; TOPMed 0.00002; gnomAD exomes 0.00011; ExAC 0.00016.
gnomAD v4.1: 90 of 1,613,918 alleles (0.0056%); highest among the groups gnomAD compares: South Asian, 0.076%; no homozygotes.

Submissions (2):

GeneDx
Classification: Uncertain significance. Last evaluated: 2025-05-16. Review status: criteria provided, single submitter. Criteria: GeneDx Variant Classification Process June 2021. Collection method: clinical testing. Allele origin: germline. Affected: yes.
Comment: In silico analysis supports that this missense variant has a deleterious effect on protein structure/function; Has not been previously published as pathogenic or benign to our knowledge

Labcorp Genetics (formerly Invitae), Labcorp
Classification: Likely benign for Deficiency of ferroxidase. Last evaluated: 2025-03-30. Review status: criteria provided, single submitter. Criteria: Invitae Variant Classification Sherloc (09022015). Collection method: clinical testing. Allele origin: germline.

NM_000096.4(CP):c.863T>C (p.Met288Thr)

Gene: CP (ceruloplasmin; minus strand). Cytogenetic location: 3q25.1.
Variant type: single nucleotide variant.
Coding change: c.863T>C on transcript NM_000096.4 (MANE Select); coding-DNA position 863, T replaced by C.
Protein change: p.Met288Thr; replaces methionine 288 with threonine.
Molecular consequence: missense variant. On other transcripts: non-coding transcript variant (1).
Genome position (GRCh38, 1-based): chr3:149,207,536, A>G on the plus strand (T>C on the coding strand, the complement: CP is on the minus strand). VCF-style: chr3-149207536-A-G. GRCh37 (hg19) VCF-style: chr3-148925323-A-G.
Other names: short protein forms M288T.
Identifiers: ClinVar variation 956770 (VCV000956770.10), dbSNP rs747305045, ClinGen allele CA2661209.